The following is an entry in ClinVar:

ClinVar aggregate classification (germline): Uncertain significance (1 of 4 stars; one submission).

Submission:

GeneDx
Classification: Uncertain significance. Last evaluated: 2024-02-13. Review status: criteria provided, single submitter. Criteria: GeneDx Variant Classification Process June 2021. Collection method: clinical testing. Allele origin: germline. Affected: yes.
Comment: Frameshift variant predicted to result in protein truncation or nonsense mediated decay in a gene or region of a gene for which loss of function is not a well-established mechanism of disease; Not observed at significant frequency in large population cohorts (gnomAD); Has not been previously published as pathogenic or benign to our knowledge

NM_144498.4(OSBPL2):c.977_980del (p.His326fs)

Gene: OSBPL2 (oxysterol binding protein like 2; plus strand). Cytogenetic location: 20q13.33.
Variant type: Deletion.
Coding change: c.977_980del on transcript NM_144498.4 (MANE Select); coding-DNA positions 977 to 980, 4 bases deleted (ACCT; older notation c.977_980delACCT).
Protein change: p.His326fs; shifts the reading frame from histidine 326.
Molecular consequence: frameshift variant.
Genome position (GRCh38, 1-based): chr20:62,284,150-62,284,153, ACCT deleted. VCF-style (leftmost placement, unchanged base first): chr20-62284149-CACCT-C. GRCh37 (hg19) VCF-style: chr20-60859205-CACCT-C.
Other names: c.701_704del, p.His234fs (NM_001278649.3, NM_001363878.2); c.941_944del, p.His314fs (NM_014835.5); short protein forms H234fs, H314fs, H326fs.
Identifiers: ClinVar variation 3369046 (VCV003369046.1).
Genomic context (GRCh38, chr20:62,284,149, plus strand): 5'-TTGTGGGGCATAGATCCTGTTTCGTATGAATCCTTCAAGAAGCAGGAGAGGAGAGGTGAC[CACCT>C]GAGAAAGGCCAAGCTGGTAAGGGCTGGGGCGTCCCCGGGCAGAGCTGAGCCCTGGGTGCT-3'